The following is an entry in ClinVar:

NM_000426.4(LAMA2):c.8076-114C>T

Gene: LAMA2 (laminin subunit alpha 2; plus strand). Cytogenetic location: 6q22.33.
Variant type: single nucleotide variant.
Coding change: c.8076-114C>T on transcript NM_000426.4 (MANE Select); 114 bases into the intron before coding-DNA position 8076, C replaced by T.
Molecular consequence: intron variant.
Genome position (GRCh38, 1-based): chr6:129,492,201, C>T. VCF-style: chr6-129492201-C-T. GRCh37 (hg19) VCF-style: chr6-129813346-C-T.
Other names: c.8064-114C>T (NM_001079823.2).
Identifiers: ClinVar variation 682959 (VCV000682959.1), dbSNP rs1889891, ClinGen allele CA12208007.

ClinVar aggregate classification (germline): Benign (1 of 4 stars; one submission).

Allele frequency attached by ClinVar (database versions not stated): gnomAD 0.36819 and 0.37194; TOPMed 0.37536; 1000 Genomes Project 0.39876; 1000 Genomes Project 30x 0.40225.
gnomAD v4.1: 419,111 of 1,419,516 alleles (30%); highest among the groups gnomAD compares: African/African-American, 56%; 65,680 homozygotes.

Submission:

GeneDx
Classification: Benign. Last evaluated: 2018-06-16. Review status: criteria provided, single submitter. Criteria: GeneDx Variant Classification (06012015). Collection method: clinical testing. Allele origin: germline. Affected: yes.
Comment: This variant is considered likely benign or benign based on one or more of the following criteria: it is a conservative change, it occurs at a poorly conserved position in the protein, it is predicted to be benign by multiple in silico algorithms, and/or has population frequency not consistent with disease.